The following is an entry in ClinVar:

NM_004629.2(FANCG):c.1216dup (p.Gln406fs)

Gene: FANCG (FA complementation group G; minus strand). Cytogenetic location: 9p13.3.
Variant type: Duplication.
Coding change: c.1216dup on transcript NM_004629.2 (MANE Select); coding-DNA position 1216, one base duplicated (C; older notation c.1216dupC).
Protein change: p.Gln406fs; shifts the reading frame from glutamine 406.
Molecular consequence: frameshift variant.
Genome position (GRCh38, 1-based): chr9:35,075,682, G duplicated on the plus strand (C on the coding strand, the reverse complement: FANCG is on the minus strand); the first of 2 consecutive G bases (chr9:35,075,682-35,075,683); duplicating either gives the same sequence. VCF-style (leftmost placement, unchanged base first): chr9-35075681-T-TG. GRCh37 (hg19) VCF-style: chr9-35075678-T-TG.
Other names: short protein forms Q406fs.
Identifiers: ClinVar variation 929695 (VCV000929695.1), dbSNP rs758423821, ClinGen allele CA1139660965.

ClinVar aggregate classification (germline): Pathogenic (0 of 4 stars; one submission).

Conditions:
Fanconi anemia complementation group G. Also called: FANCG-Related Fanconi Anemia; Fanconi anemia group G. Identifiers: Orphanet 84, MedGen C3469527, MONDO:0013565, OMIM 614082.

Submission:

Leiden Open Variation Database
Classification: Pathogenic for Fanconi anemia complementation group G. Last evaluated: 2020-02-28. Review status: no assertion criteria provided. Collection method: curation. Allele origin: germline. Affected: yes.
Comment: Curator: Arleen D. Auerbach. Submitter to LOVD: Arleen D. Auerbach.